The following is an entry in ClinVar:

NM_001010874.5(TECRL):c.14A>G (p.His5Arg)

Gene: TECRL (trans-2,3-enoyl-CoA reductase like; minus strand). Cytogenetic location: 4q13.1.
Variant type: single nucleotide variant.
Coding change: c.14A>G on transcript NM_001010874.5 (MANE Select); coding-DNA position 14, A replaced by G.
Protein change: p.His5Arg; replaces histidine 5 with arginine.
Molecular consequence: missense variant.
Genome position (GRCh38, 1-based): chr4:64,409,338, T>C on the plus strand (A>G on the coding strand, the complement: TECRL is on the minus strand). VCF-style: chr4-64409338-T-C. GRCh37 (hg19) VCF-style: chr4-65275056-T-C.
Other names: c.14A>G, p.His5Arg (NM_001363796.1); short protein forms H5R.
Identifiers: ClinVar variation 5030598 (VCV005030598.1).

ClinVar aggregate classification (germline): Uncertain significance (1 of 4 stars; one submission).

Conditions:
Cardiovascular phenotype. Identifiers: MedGen CN230736.

gnomAD v4.1: 13 of 1,613,454 alleles (0.00081%); highest among the groups gnomAD compares: Admixed American, 0.02%; no homozygotes.

Submission:

Ambry Genetics
Classification: Uncertain significance for Cardiovascular phenotype. Last evaluated: 2026-06-22. Review status: criteria provided, single submitter. Criteria: Ambry Variant Classification Scheme 2023. Collection method: clinical testing. Allele origin: germline.
Comment: The p.H5R variant (also known as c.14A>G), located in coding exon 1 of the TECRL gene, results from an A to G substitution at nucleotide position 14. The histidine at codon 5 is replaced by arginine, an amino acid with highly similar properties. This amino acid position is conserved. In addition, this alteration is predicted to be tolerated by in silico analysis. Based on the available evidence, the clinical significance of this variant remains unclear.